The following is an entry in ClinVar:

ClinVar aggregate classification (germline): Conflicting classifications of pathogenicity. Review status: criteria provided, conflicting classifications (1 of 4 stars). 2 submissions from 2 submitters: Uncertain significance (1); Likely benign (1). Last evaluated 2025-03-18.

Conditions:
Inborn genetic diseases. Identifiers: MedGen C0950123, MeSH D030342.
Carnitine palmitoyltransferase II deficiency. Also called: Carnitine Palmitoyltransferase 2 Deficiency. Identifiers: Orphanet 157, MedGen C0342790, MONDO:0015515.

Allele frequency attached by ClinVar (database versions not stated): gnomAD exomes below 0.00001 and 0.00001; ExAC 0.00001; gnomAD 0.00001; TOPMed 0.00003; 1000 Genomes Project 0.00020; 1000 Genomes Project 30x 0.00031.

Submissions (2):

Labcorp Genetics (formerly Invitae), Labcorp
Classification: Uncertain significance for Carnitine palmitoyltransferase II deficiency. Last evaluated: 2025-03-18. Review status: criteria provided, single submitter. Criteria: Invitae Variant Classification Sherloc (09022015). Collection method: clinical testing. Allele origin: germline.
Comment: This sequence change replaces asparagine, which is neutral and polar, with serine, which is neutral and polar, at codon 416 of the CPT2 protein (p.Asn416Ser). This variant is present in population databases (rs201008705, gnomAD 0.003%). This variant has not been reported in the literature in individuals affected with CPT2-related conditions. ClinVar contains an entry for this variant (Variation ID: 1429527). Invitae Evidence Modeling of protein sequence and biophysical properties (such as structural, functional, and spatial information, amino acid conservation, physicochemical variation, residue mobility, and thermodynamic stability) indicates that this missense variant is not expected to disrupt CPT2 protein function with a negative predictive value of 95%. In summary, the available evidence is currently insufficient to determine the role of this variant in disease. Therefore, it has been classified as a Variant of Uncertain Significance.

Ambry Genetics
Classification: Likely benign for Inborn genetic diseases. Last evaluated: 2024-11-29. Review status: criteria provided, single submitter. Criteria: Ambry Variant Classification Scheme 2023. Collection method: clinical testing. Allele origin: germline.

NM_000098.3(CPT2):c.1247A>G (p.Asn416Ser)

Gene: CPT2 (carnitine palmitoyltransferase 2; plus strand). Cytogenetic location: 1p32.3.
Variant type: single nucleotide variant.
Coding change: c.1247A>G on transcript NM_000098.3 (MANE Select); coding-DNA position 1247, A replaced by G.
Protein change: p.Asn416Ser; replaces asparagine 416 with serine.
Molecular consequence: missense variant.
Genome position (GRCh38, 1-based): chr1:53,210,921, A>G. VCF-style: chr1-53210921-A-G. GRCh37 (hg19) VCF-style: chr1-53676593-A-G.
Other names: c.1247A>G, p.Asn416Ser (NM_001330589.2); c.1247A>G (NM_000098.2); short protein forms N416S.
Identifiers: ClinVar variation 1429527 (VCV001429527.7), dbSNP rs201008705, ClinGen allele CA859156.
Genomic context (GRCh38, chr1:53,210,921, plus strand): 5'-CCGTCACTCCACAGAGCCAGCCAGCTACCACTGACTCTACTGTCACGGTGCAGAAACTCA[A>G]CTTCGAGCTGACTGATGCCTTAAAGACTGGCATCACAGCTGCTAAGGAAAAGTTTGATGC-3'
Protein context (NP_000089.1, residues 406-426): TDSTVTVQKL[Asn416Ser]FELTDALKTG